The following is an entry in ClinVar:

ClinVar aggregate classification (germline): Uncertain significance (1 of 4 stars; one submission).

Allele frequency attached by ClinVar (database versions not stated): TOPMed below 0.00001; ExAC 0.00001; ESP Exome Variant Server 0.00008.

Submission:

Labcorp Genetics (formerly Invitae), Labcorp
Classification: Uncertain significance. Last evaluated: 2024-10-18. Review status: criteria provided, single submitter. Criteria: Invitae Variant Classification Sherloc (09022015). Collection method: clinical testing. Allele origin: germline.
Comment: This sequence change replaces alanine, which is neutral and non-polar, with threonine, which is neutral and polar, at codon 870 of the TRRAP protein (p.Ala870Thr). This variant is present in population databases (rs376121665, gnomAD 0.0009%). This variant has not been reported in the literature in individuals affected with TRRAP-related conditions. This missense change has been observed in at least one individual who was not affected with TRRAP-related conditions (internal data). Invitae Evidence Modeling of protein sequence and biophysical properties (such as structural, functional, and spatial information, amino acid conservation, physicochemical variation, residue mobility, and thermodynamic stability) indicates that this missense variant is expected to disrupt TRRAP protein function with a positive predictive value of 80%. In summary, the available evidence is currently insufficient to determine the role of this variant in disease. Therefore, it has been classified as a Variant of Uncertain Significance.

NM_001375524.1(TRRAP):c.2608G>A (p.Ala870Thr)

Gene: TRRAP (transformation/transcription domain associated protein; plus strand). Cytogenetic location: 7q22.1.
Variant type: single nucleotide variant.
Coding change: c.2608G>A on transcript NM_001375524.1 (MANE Select); coding-DNA position 2608, G replaced by A.
Protein change: p.Ala870Thr; replaces alanine 870 with threonine.
Molecular consequence: missense variant.
Genome position (GRCh38, 1-based): chr7:98,917,665, G>A. VCF-style: chr7-98917665-G-A. GRCh37 (hg19) VCF-style: chr7-98515288-G-A.
Other names: c.2608G>A, p.Ala870Thr (NM_001244580.2, NM_003496.4); short protein forms A870T.
Identifiers: ClinVar variation 2871581 (VCV002871581.3), dbSNP rs376121665, ClinGen allele CA4359785.